The following is an entry in ClinVar:

ClinVar aggregate classification (germline): Uncertain significance. Review status: criteria provided, multiple submitters, no conflicts (2 of 4 stars). 2 submissions from 2 submitters: Uncertain significance (2). Last evaluated 2024-08-07.

Conditions:
Progressive familial heart block type IB (PFHB1B). Identifiers: Orphanet 871, MedGen C1970298, MONDO:0011474, OMIM 604559.
Cardiovascular phenotype. Identifiers: MedGen CN230736.

Submissions (2):

Labcorp Genetics (formerly Invitae), Labcorp
Classification: Uncertain significance for Progressive familial heart block type IB. Last evaluated: 2024-08-07. Review status: criteria provided, single submitter. Criteria: Invitae Variant Classification Sherloc (09022015). Collection method: clinical testing. Allele origin: germline.
Comment: This sequence change replaces alanine, which is neutral and non-polar, with serine, which is neutral and polar, at codon 100 of the TRPM4 protein (p.Ala100Ser). This variant is not present in population databases (gnomAD no frequency). This variant has not been reported in the literature in individuals affected with TRPM4-related conditions. ClinVar contains an entry for this variant (Variation ID: 955000). An algorithm developed to predict the effect of missense changes on protein structure and function (PolyPhen-2) suggests that this variant is likely to be tolerated. In summary, the available evidence is currently insufficient to determine the role of this variant in disease. Therefore, it has been classified as a Variant of Uncertain Significance.

Ambry Genetics
Classification: Uncertain significance for Cardiovascular phenotype. Last evaluated: 2021-06-16. Review status: criteria provided, single submitter. Criteria: Ambry Variant Classification Scheme 2023. Collection method: clinical testing. Allele origin: germline.
Comment: The p.A100S variant (also known as c.298G>T), located in coding exon 4 of the TRPM4 gene, results from a G to T substitution at nucleotide position 298. The alanine at codon 100 is replaced by serine, an amino acid with similar properties. This amino acid position is not well conserved in available vertebrate species, and serine is the reference amino acid in other vertebrate species. In addition, this alteration is predicted to be tolerated by in silico analysis. Since supporting evidence is limited at this time, the clinical significance of this alteration remains unclear.

NM_017636.4(TRPM4):c.298G>T (p.Ala100Ser)

Gene: TRPM4 (transient receptor potential cation channel subfamily M member 4; plus strand). Cytogenetic location: 19q13.33.
Variant type: single nucleotide variant.
Coding change: c.298G>T on transcript NM_017636.4 (MANE Select); coding-DNA position 298, G replaced by T.
Protein change: p.Ala100Ser; replaces alanine 100 with serine.
Molecular consequence: missense variant. On other transcripts: intron variant (4).
Genome position (GRCh38, 1-based): chr19:49,167,947, G>T. VCF-style: chr19-49167947-G-T. GRCh37 (hg19) VCF-style: chr19-49671204-G-T.
Other names: c.298G>T, p.Ala100Ser (NM_001195227.2); c.-1105-313G>T (NM_001321282.2); c.268-606G>T (NM_001321281.2); c.-74-313G>T (NM_001321283.2); c.-237-606G>T (NM_001321285.2); short protein forms A100S.
Identifiers: ClinVar variation 955000 (VCV000955000.11), dbSNP rs1967287181, ClinGen allele CA406789978.
Genomic context (GRCh38, chr19:49,167,947, plus strand): 5'-CCTGTGTGCCCCGCTCCCATGTGTCCACAGTTCCTCCGGCTCTCTGACCGAACGGATCCA[G>T]CTGCAGTTTATAGTCTGGTCACACGCACATGGGGCTTCCGTGCCCCGAACCTGGTGGTGT-3'
Protein context (NP_060106.2, residues 90-110): FLRLSDRTDP[Ala100Ser]AVYSLVTRTW